The following is an entry in ClinVar:

ClinVar aggregate classification (germline): Uncertain significance (1 of 4 stars; one submission).

Submission:

GeneDx
Classification: Uncertain significance. Last evaluated: 2023-07-10. Review status: criteria provided, single submitter. Criteria: GeneDx Variant Classification Process June 2021. Collection method: clinical testing. Allele origin: germline. Affected: yes.
Comment: Not observed at significant frequency in large population cohorts (gnomAD); In silico analysis supports that this missense variant has a deleterious effect on protein structure/function; Has not been previously published as pathogenic or benign to our knowledge

NM_001365999.1(SZT2):c.5789T>C (p.Val1930Ala)

Gene: SZT2 (SZT2 subunit of KICSTOR complex; plus strand). Cytogenetic location: 1p34.2.
Variant type: single nucleotide variant.
Coding change: c.5789T>C on transcript NM_001365999.1 (MANE Select); coding-DNA position 5789, T replaced by C.
Protein change: p.Val1930Ala; replaces valine 1930 with alanine.
Molecular consequence: missense variant.
Genome position (GRCh38, 1-based): chr1:43,433,175, T>C. VCF-style: chr1-43433175-T-C. GRCh37 (hg19) VCF-style: chr1-43898846-T-C.
Other names: c.5618T>C, p.Val1873Ala (NM_015284.4); short protein forms V1873A, V1930A.
Identifiers: ClinVar variation 3360856 (VCV003360856.1).